The following is an entry in ClinVar:

ClinVar aggregate classification (germline): Uncertain significance (1 of 4 stars; one submission).

Conditions:
Early Myoclonic Encephalopathy. Identifiers: MedGen C0270855.

Allele frequency attached by ClinVar (database versions not stated): gnomAD exomes below 0.00001.
gnomAD v4.1: 8 of 1,614,238 alleles (0.0005%); highest among the groups gnomAD compares: Admixed American, 0.0017%; no homozygotes.

Submission:

Labcorp Genetics (formerly Invitae), Labcorp
Classification: Uncertain significance for Early Myoclonic Encephalopathy. Last evaluated: 2018-01-20. Review status: criteria provided, single submitter. Criteria: Invitae Variant Classification Sherloc (09022015). Collection method: clinical testing. Allele origin: germline.
Comment: In summary, the available evidence is currently insufficient to determine the role of this variant in disease. Therefore, it has been classified as a Variant of Uncertain Significance. Algorithms developed to predict the effect of missense changes on protein structure and function (SIFT, PolyPhen-2, Align-GVGD) all suggest that this variant is likely to be tolerated, but these predictions have not been confirmed by published functional studies and their clinical significance is uncertain. This variant has not been reported in the literature in individuals with JMJD1C-related disease. This variant is not present in population databases (ExAC no frequency). This sequence change replaces histidine with arginine at codon 1365 of the JMJD1C protein (p.His1365Arg). The histidine residue is moderately conserved and there is a small physicochemical difference between histidine and arginine.

NM_032776.3(JMJD1C):c.4094A>G (p.His1365Arg)

Gene: JMJD1C (jumonji domain containing 1C; minus strand). Cytogenetic location: 10q21.3.
Variant type: single nucleotide variant.
Coding change: c.4094A>G on transcript NM_032776.3 (MANE Select); coding-DNA position 4094, A replaced by G.
Protein change: p.His1365Arg; replaces histidine 1365 with arginine.
Molecular consequence: missense variant. On other transcripts: non-coding transcript variant (1).
Genome position (GRCh38, 1-based): chr10:63,207,575, T>C on the plus strand (A>G on the coding strand, the complement: JMJD1C is on the minus strand). VCF-style: chr10-63207575-T-C. GRCh37 (hg19) VCF-style: chr10-64967335-T-C.
Other names: c.3548A>G, p.His1183Arg (NM_001282948.2, NM_001318154.2); c.3230A>G, p.His1077Arg (NM_001318153.2); c.3980A>G, p.His1327Arg (NM_001322252.2); c.3437A>G, p.His1146Arg (NM_001322254.2, NM_001322258.2); short protein forms H1365R, H1183R, H1077R, H1327R, H1146R.
Identifiers: ClinVar variation 573782 (VCV000573782.8), dbSNP rs1564606985, ClinGen allele CA377038571.